The following is an entry in ClinVar:

NM_001569.4(IRAK1):c.726G>A (p.Lys242=)

Gene: IRAK1 (interleukin 1 receptor associated kinase 1; minus strand). Cytogenetic location: Xq28.
Variant type: single nucleotide variant.
Coding change: c.726G>A on transcript NM_001569.4 (MANE Select); coding-DNA position 726, G replaced by A.
Protein change: p.Lys242=; no amino-acid change (lysine 242 retained).
Molecular consequence: synonymous variant.
Genome position (GRCh38, 1-based): chrX:154,018,602, C>T on the plus strand (G>A on the coding strand, the complement: IRAK1 is on the minus strand). VCF-style: chrX-154018602-C-T. GRCh37 (hg19) VCF-style: chrX-153284053-C-T.
Other names: c.726G>A, p.Lys242= (NM_001025242.2, NM_001025243.2); c.804G>A, p.Lys268= (NM_001410701.1).
Identifiers: ClinVar variation 3032046 (VCV003032046.2), dbSNP rs782263874, ClinGen allele CA10558284.

ClinVar aggregate classification (germline): Likely benign (0 of 4 stars; one submission).

Conditions:
IRAK1-related disorder. Also called: IRAK1-related condition.

Allele frequency attached by ClinVar (database versions not stated): gnomAD exomes 0.00001; TOPMed 0.00001; ExAC 0.00002.

Submission:

PreventionGenetics, part of Exact Sciences
Classification: Likely benign for IRAK1-related condition. Last evaluated: 2023-12-15. Review status: no assertion criteria provided. Collection method: clinical testing. Allele origin: germline.
Comment: This variant is classified as likely benign based on ACMG/AMP sequence variant interpretation guidelines (Richards et al. 2015 PMID: 25741868, with internal and published modifications).